The following is an entry in ClinVar:

ClinVar aggregate classification (germline): Uncertain significance (1 of 4 stars; one submission).

Submission:

GeneDx
Classification: Uncertain significance. Last evaluated: 2021-11-09. Review status: criteria provided, single submitter. Criteria: GeneDx Variant Classification Process June 2021. Collection method: clinical testing. Allele origin: germline. Affected: yes.
Comment: Has not been previously published as pathogenic or benign to our knowledge; Not observed at significant frequency in large population cohorts (gnomAD); In silico analysis supports that this missense variant has a deleterious effect on protein structure/function; This variant is associated with the following publications: (PMID: 20591885)

NM_000138.5(FBN1):c.2294A>G (p.Asp765Gly)

Gene: FBN1 (fibrillin 1; minus strand). Cytogenetic location: 15q21.1.
Variant type: single nucleotide variant.
Coding change: c.2294A>G on transcript NM_000138.5 (MANE Select); coding-DNA position 2294, A replaced by G.
Protein change: p.Asp765Gly; replaces aspartic acid 765 with glycine.
Molecular consequence: missense variant.
Genome position (GRCh38, 1-based): chr15:48,496,225, T>C on the plus strand (A>G on the coding strand, the complement: FBN1 is on the minus strand). VCF-style: chr15-48496225-T-C. GRCh37 (hg19) VCF-style: chr15-48788422-T-C.
Other names: short protein forms D765G.
Identifiers: ClinVar variation 1678694 (VCV001678694.2), dbSNP rs2141305168, ClinGen allele CA392335562.
Genomic context (GRCh38, chr15:48,496,225, plus strand): 5'-GGAGTATTTCTACATTGTCCATTGTCACAAAGGAGACTGTTCAGTACACATTCATTAATA[T>C]CTGCAAAGTCAATGAAAATAAACACTTAAAAAGGGCCCAAACTTTGCCTGTATCTACTTT-3'
Protein context (NP_000129.3, residues 755-775): EVDSTGKNCV[Asp765Gly]INECVLNSLL